The following is an entry in ClinVar:

NM_000642.3(AGL):c.545A>C (p.Asn182Thr)

Gene: AGL (amylo-alpha-1,6-glucosidase and 4-alpha-glucanotransferase; plus strand). Cytogenetic location: 1p21.2.
Variant type: single nucleotide variant.
Coding change: c.545A>C on transcript NM_000642.3 (MANE Select); coding-DNA position 545, A replaced by C.
Protein change: p.Asn182Thr; replaces asparagine 182 with threonine.
Molecular consequence: missense variant.
Genome position (GRCh38, 1-based): chr1:99,864,470, A>C. VCF-style: chr1-99864470-A-C. GRCh37 (hg19) VCF-style: chr1-100330026-A-C.
Other names: c.545A>C, p.Asn182Thr (NM_000028.3, NM_000643.3, NM_000644.3 and 3 more transcripts); c.497A>C, p.Asn166Thr (NM_000646.3); c.167A>C, p.Asn56Thr (NM_001425332.1); short protein forms N166T, N182T, N56T.
Identifiers: ClinVar variation 1063238 (VCV001063238.9), dbSNP rs2101093877, ClinGen allele CA341335698.

ClinVar aggregate classification (germline): Uncertain significance (1 of 4 stars; one submission).

Conditions:
Glycogen storage disease type III (GSD3). Also called: Cori disease; FORBES DISEASE. Identifiers: Orphanet 366, MedGen C0017922, MONDO:0009291, OMIM 232400.

Submission:

Labcorp Genetics (formerly Invitae), Labcorp
Classification: Uncertain significance for Glycogen storage disease type III. Last evaluated: 2020-10-05. Review status: criteria provided, single submitter. Criteria: Invitae Variant Classification Sherloc (09022015). Collection method: clinical testing. Allele origin: germline.
Comment: In summary, the available evidence is currently insufficient to determine the role of this variant in disease. Therefore, it has been classified as a Variant of Uncertain Significance. Algorithms developed to predict the effect of missense changes on protein structure and function (SIFT, PolyPhen-2, Align-GVGD) all suggest that this variant is likely to be tolerated, but these predictions have not been confirmed by published functional studies and their clinical significance is uncertain. This variant has not been reported in the literature in individuals with AGL-related conditions. This variant is not present in population databases (ExAC no frequency). This sequence change replaces asparagine with threonine at codon 182 of the AGL protein (p.Asn182Thr). The asparagine residue is moderately conserved and there is a small physicochemical difference between asparagine and threonine.